The following is an entry in ClinVar:

NM_004655.4(AXIN2):c.1712+16A>C

Gene: AXIN2 (axin 2; minus strand). Cytogenetic location: 17q24.1.
Variant type: single nucleotide variant.
Coding change: c.1712+16A>C on transcript NM_004655.4 (MANE Select); 16 bases into the intron after coding-DNA position 1712, A replaced by C.
Molecular consequence: intron variant.
Genome position (GRCh38, 1-based): chr17:65,537,308, T>G on the plus strand (A>C on the coding strand, the complement: AXIN2 is on the minus strand). VCF-style: chr17-65537308-T-G. GRCh37 (hg19) VCF-style: chr17-63533426-T-G.
Other names: c.1712+16A>C (LRG_296t1, NM_001363813.1).
Identifiers: ClinVar variation 511773 (VCV000511773.8), dbSNP rs1186273764, ClinGen allele CA658798954.

ClinVar aggregate classification (germline): Likely benign. Review status: criteria provided, multiple submitters, no conflicts (2 of 4 stars). 2 submissions from 2 submitters: Likely benign (2). Last evaluated 2025-10-12.

Conditions:
Oligodontia-cancer predisposition syndrome. Also called: TOOTH AGENESIS-COLORECTAL CANCER SYNDROME. Identifiers: Orphanet 300576, MedGen C1837750, MONDO:0012075, OMIM 608615. Disease mechanism: loss of function.

Allele frequency attached by ClinVar (database versions not stated): gnomAD exomes below 0.00001; TOPMed 0.00001.
gnomAD v4.1: 2 of 1,613,702 alleles (0.00012%); highest among the groups gnomAD compares: Non-Finnish European, 0.00017%; no homozygotes.

Submissions (2):

Labcorp Genetics (formerly Invitae), Labcorp
Classification: Likely benign for Oligodontia-cancer predisposition syndrome. Last evaluated: 2025-10-12. Review status: criteria provided, single submitter. Criteria: Invitae Variant Classification Sherloc (09022015). Collection method: clinical testing. Allele origin: germline.

GeneDx
Classification: Likely benign. Last evaluated: 2017-08-28. Review status: criteria provided, single submitter. Criteria: GeneDx Variant Classification (06012015). Collection method: clinical testing. Allele origin: germline. Affected: yes.
Comment: This variant is considered likely benign or benign based on one or more of the following criteria: it is a conservative change, it occurs at a poorly conserved position in the protein, it is predicted to be benign by multiple in silico algorithms, and/or has population frequency not consistent with disease.